The following is an entry in ClinVar:

NM_145207.3(AFG2A):c.2496A>C (p.Ser832=)

Gene: AFG2A (AAA ATPase AFG2A; plus strand). Cytogenetic location: 4q28.1.
Variant type: single nucleotide variant.
Coding change: c.2496A>C on transcript NM_145207.3 (MANE Select); coding-DNA position 2496, A replaced by C.
Protein change: p.Ser832=; no amino-acid change (serine 832 retained).
Molecular consequence: synonymous variant.
Genome position (GRCh38, 1-based): chr4:123,256,171, A>C. VCF-style: chr4-123256171-A-C. GRCh37 (hg19) VCF-style: chr4-124177326-A-C.
Other names: c.2493A>C, p.Ser831= (NM_001345856.2).
Identifiers: ClinVar variation 3250664 (VCV003250664.18), dbSNP rs2530450385.

ClinVar aggregate classification (germline): Likely benign (1 of 4 stars; one submission).

Submission:

CeGaT Center for Human Genetics Tuebingen
Classification: Likely benign. Last evaluated: 2025-02-01. Review status: criteria provided, single submitter. Criteria: CeGaT Center For Human Genetics Tuebingen Variant Classification Criteria Version 2. Collection method: clinical testing. Allele origin: germline. Affected: yes. Observed: 2 variant alleles.
Comment: AFG2A: BP4, BP7